The following is an entry in ClinVar:

ClinVar aggregate classification (germline): Uncertain significance (1 of 4 stars; one submission).

Conditions:
Primary ciliary dyskinesia. Also called: Ciliary dyskinesia. Identifiers: Orphanet 244, MedGen C0008780, MONDO:0016575, HP:0012265.

Submission:

Labcorp Genetics (formerly Invitae), Labcorp
Classification: Uncertain significance for Primary ciliary dyskinesia. Last evaluated: 2020-08-06. Review status: criteria provided, single submitter. Criteria: Invitae Variant Classification Sherloc (09022015). Collection method: clinical testing. Allele origin: germline.
Comment: This variant, c.1719_1721del, results in the deletion of 1 amino acid(s) of the RSPH4A protein (p.Glu573del), but otherwise preserves the integrity of the reading frame. In summary, the available evidence is currently insufficient to determine the role of this variant in disease. Therefore, it has been classified as a Variant of Uncertain Significance. Experimental studies and prediction algorithms are not available or were not evaluated, and the functional significance of this variant is currently unknown. This variant has not been reported in the literature in individuals with RSPH4A-related conditions. This variant is present in population databases (rs370030988, ExAC 0.08%).

NM_001010892.3(RSPH4A):c.1716AGA[1] (p.Glu573del)

Gene: RSPH4A (radial spoke head component 4A; plus strand). Cytogenetic location: 6q22.1.
Variant type: Microsatellite.
Coding change: c.1716AGA[1] on transcript NM_001010892.3 (MANE Select); one copy of the 3-base unit AGA starting at c.1716; the reference has two copies in a row; one copy, 3 bases deleted.
Protein change: p.Glu573del; deletes glutamic acid 573.
Molecular consequence: inframe deletion. On other transcripts: intron variant (1).
Genome position (GRCh38, 1-based): chr6:116,629,623-116,629,625, AGA deleted; deleting any 3 consecutive bases within chr6:116,629,618-116,629,625 gives the same sequence; the position shown is the placement nearest the transcript's 3' end. VCF-style (leftmost placement, unchanged base first): chr6-116629617-GGAA-G. GRCh37 (hg19) VCF-style: chr6-116950780-GGAA-G.
Other names: c.1663-812_1663-810del (NM_001161664.2); short protein forms E573del.
Identifiers: ClinVar variation 1053916 (VCV001053916.7), dbSNP rs370030988, ClinGen allele CA3971016.